The following is an entry in ClinVar:

NM_001257180.2(SLC20A2):c.136C>G (p.Gln46Glu)

Gene: SLC20A2 (solute carrier family 20 member 2; minus strand). Cytogenetic location: 8p11.21.
Variant type: single nucleotide variant.
Coding change: c.136C>G on transcript NM_001257180.2 (MANE Select); coding-DNA position 136, C replaced by G.
Protein change: p.Gln46Glu; replaces glutamine 46 with glutamic acid.
Molecular consequence: missense variant.
Genome position (GRCh38, 1-based): chr8:42,472,255, G>C on the plus strand (C>G on the coding strand, the complement: SLC20A2 is on the minus strand). VCF-style: chr8-42472255-G-C. GRCh37 (hg19) VCF-style: chr8-42329773-G-C.
Other names: c.136C>G, p.Gln46Glu (NM_001257181.2, NM_006749.5); short protein forms Q46E.
Identifiers: ClinVar variation 1311707 (VCV001311707.2), dbSNP rs751093906, ClinGen allele CA4733657.

ClinVar aggregate classification (germline): Uncertain significance (1 of 4 stars; one submission).

Allele frequency attached by ClinVar (database versions not stated): gnomAD exomes below 0.00001; TOPMed below 0.00001; ExAC 0.00001.
gnomAD v4.1: 3 of 1,614,158 alleles (0.00019%); highest among the groups gnomAD compares: Non-Finnish European, 0.00025%; no homozygotes.

Submission:

GeneDx
Classification: Uncertain significance. Last evaluated: 2020-01-30. Review status: criteria provided, single submitter. Criteria: GeneDx Variant Classification Process June 2021. Collection method: clinical testing. Allele origin: germline. Affected: yes.
Comment: Not observed at a significant frequency in large population cohorts (Lek et al., 2016); In silico analysis, which includes protein predictors and evolutionary conservation, supports a deleterious effect; Has not been previously published as pathogenic or benign to our knowledge